The following is an entry in ClinVar:

ClinVar aggregate classification (germline): Uncertain significance. Review status: criteria provided, single submitter (1 of 4 stars). 2 submissions from 2 submitters: Uncertain significance (1). 1 of the submissions does not count toward it. Last evaluated 2019-09-20.

Conditions:
Spastic paraplegia 93, autosomal recessive. Identifiers: MedGen C5975375, MONDO:0975796, OMIM 620938.

Allele frequency attached by ClinVar (database versions not stated): ExAC 0.00001; gnomAD 0.00001; gnomAD exomes 0.00001.
gnomAD v4.1: 8 of 1,609,080 alleles (0.0005%); highest among the groups gnomAD compares: Non-Finnish European, 0.00068%; no homozygotes.

Submissions (2):

GeneDx
Classification: Uncertain significance. Last evaluated: 2019-09-20. Review status: criteria provided, single submitter. Criteria: GeneDx Variant Classification Process June 2021. Collection method: clinical testing. Allele origin: germline. Affected: yes.
Comment: Has not been previously published as pathogenic or benign to our knowledge; Not observed at a significant frequency in large population cohorts (Lek et al., 2016); In silico analysis, which includes protein predictors and evolutionary conservation, supports a deleterious effect

OMIM
Classification: Pathogenic for SPASTIC PARAPLEGIA 93, AUTOSOMAL RECESSIVE. Last evaluated: 2024-09-09. Review status: no assertion criteria provided. Collection method: literature only. Allele origin: germline. Not counted in ClinVar's aggregate classification.

Literature cited by the submitters: PubMed 36256512 (cited by OMIM).

NM_001002755.4(NFU1):c.398T>C (p.Leu133Pro)

Gene: NFU1 (NFU1 iron-sulfur cluster scaffold; minus strand). Cytogenetic location: 2p13.3.
Variant type: single nucleotide variant.
Coding change: c.398T>C on transcript NM_001002755.4 (MANE Select); coding-DNA position 398, T replaced by C.
Protein change: p.Leu133Pro; replaces leucine 133 with proline.
Molecular consequence: missense variant. On other transcripts: 5 prime UTR variant (1), non-coding transcript variant (2).
Genome position (GRCh38, 1-based): chr2:69,415,271, A>G on the plus strand (T>C on the coding strand, the complement: NFU1 is on the minus strand). VCF-style: chr2-69415271-A-G. GRCh37 (hg19) VCF-style: chr2-69642403-A-G.
Other names: c.-26T>C (NM_001002756.2); c.326T>C, p.Leu109Pro (NM_001374284.1, NM_015700.4); short protein forms L109P, L133P.
Identifiers: ClinVar variation 1214780 (VCV001214780.4), dbSNP rs770896590, ClinGen allele CA1694184.
Genomic context (GRCh38, chr2:69,415,271, plus strand): 5'-GTAACCAGGGGTAAGCCAGATGCAAAGAAGTCCATGATTGTTGCATAAATATCTGGTTTC[A>G]GTAAATTCCAGTCTAATTCTTCATTTTCCTATAAACATTTAAAGGAAAATGCTGTATTTC-3'
Protein context (NP_001002755.1, residues 123-143): KENEELDWNL[Leu133Pro]KPDIYATIMD